The following is an entry in ClinVar:

NM_000494.4(COL17A1):c.2038+9G>T

Gene: COL17A1 (collagen type XVII alpha 1 chain; minus strand). Cytogenetic location: 10q25.1.
Variant type: single nucleotide variant.
Coding change: c.2038+9G>T on transcript NM_000494.4 (MANE Select); 9 bases into the intron after coding-DNA position 2038, G replaced by T.
Molecular consequence: intron variant.
Genome position (GRCh38, 1-based): chr10:104,051,472, C>A on the plus strand (G>T on the coding strand, the complement: COL17A1 is on the minus strand). VCF-style: chr10-104051472-C-A. GRCh37 (hg19) VCF-style: chr10-105811230-C-A.
Other names: c.2038+9G>T (LRG_1249t1).
Identifiers: ClinVar variation 298721 (VCV000298721.11), dbSNP rs368960793, ClinGen allele CA5678745.

ClinVar aggregate classification (germline): Benign/Likely benign. Review status: criteria provided, multiple submitters, no conflicts (2 of 4 stars). 2 submissions from 2 submitters: Benign (1); Likely benign (1). Last evaluated 2025-12-24.

Conditions:
Junctional epidermolysis bullosa, non-Herlitz type. Also called: EPIDERMOLYSIS BULLOSA JUNCTIONALIS, DISENTIS TYPE; EPIDERMOLYSIS BULLOSA JUNCTIONALIS, NON-HERLITZ TYPE; EPIDERMOLYSIS BULLOSA JUNCTIONALIS, PROGRESSIVE; EPIDERMOLYSIS BULLOSA JUNCTIONALIS, SEVERE NONLETHAL; Adult junctional epidermolysis bullosa; Epidermolysis bullosa, junctional, non-herlitz type, somatic mosaic revertant. Identifiers: Orphanet 251393, Orphanet 79402, Orphanet 79405, Orphanet 89840, MedGen C0268374, MONDO:0009180, OMIM 226650.

Allele frequency attached by ClinVar (database versions not stated): gnomAD exomes 0.00023; ExAC 0.00034; 1000 Genomes Project 0.00120; gnomAD 0.00124 and 0.00135; 1000 Genomes Project 30x 0.00125; TOPMed 0.00125; ESP Exome Variant Server 0.00131.
gnomAD v4.1: 313 of 1,614,072 alleles (0.019%); highest among the groups gnomAD compares: African/African-American, 0.39%; 1 homozygote.

Submissions (2):

Labcorp Genetics (formerly Invitae), Labcorp
Classification: Benign. Last evaluated: 2025-12-24. Review status: criteria provided, single submitter. Criteria: Invitae Variant Classification Sherloc (09022015). Collection method: clinical testing. Allele origin: germline.

Illumina Laboratory Services, Illumina
Classification: Likely benign for Junctional epidermolysis bullosa, non-Herlitz type. Last evaluated: 2018-01-12. Review status: criteria provided, single submitter. Criteria: ICSL Variant Classification Criteria 13 December 2019. Collection method: clinical testing. Allele origin: germline.
Comment: This variant was observed in the ICSL laboratory as part of a predisposition screen in an ostensibly healthy population. It had not been previously curated by ICSL or reported in the Human Gene Mutation Database (HGMD: prior to June 1st, 2018), and was therefore a candidate for classification through an automated scoring system. Utilizing variant allele frequency, disease prevalence and penetrance estimates, and inheritance mode, an automated score was calculated to assess if this variant is too frequent to cause the disease. Based on the score and internal cut-off values, a variant classified as likely benign is not then subjected to further curation. The score for this variant resulted in a classification of likely benign for this disease.